The following is an entry in ClinVar:

NM_000020.3(ACVRL1):c.733A>G (p.Ile245Val)

Gene: ACVRL1 (activin A receptor like type 1; plus strand). Cytogenetic location: 12q13.13.
Variant type: single nucleotide variant.
Coding change: c.733A>G on transcript NM_000020.3 (MANE Select); coding-DNA position 733, A replaced by G.
Protein change: p.Ile245Val; replaces isoleucine 245 with valine.
Molecular consequence: missense variant.
Genome position (GRCh38, 1-based): chr12:51,914,546, A>G. VCF-style: chr12-51914546-A-G. GRCh37 (hg19) VCF-style: chr12-52308330-A-G.
Other names: c.733A>G, p.Ile245Val (NM_001077401.2, NM_001406487.1, NM_001406488.1 and 1 more transcripts); c.421A>G, p.Ile141Val (NM_001406490.1, NM_001406491.1, NM_001406492.1 and 2 more transcripts); c.169A>G, p.Ile57Val (NM_001406495.1); short protein forms I141V, I245V, I57V.
Identifiers: ClinVar variation 4082334 (VCV004082334.1).

ClinVar aggregate classification (germline): Uncertain significance (1 of 4 stars; one submission).

Conditions:
Telangiectasia, hereditary hemorrhagic, type 2 (HHT2). Also called: ACVRL1-Related Hereditary Hemorrhagic Telangiectasia; Telangiectasia, hereditary hemorrhagic, type II. Identifiers: Orphanet 774, MedGen C1838163, MONDO:0010880, OMIM 600376. Disease mechanism: loss of function.

Submission:

Institute of Human Genetics, University of Leipzig Medical Center
Classification: Uncertain significance for Telangiectasia, hereditary hemorrhagic, type 2. Last evaluated: 2025-07-10. Review status: criteria provided, single submitter. Criteria: ACMG Guidelines, 2015. Collection method: clinical testing. Allele origin: unknown. Inheritance: Autosomal dominant inheritance. Affected: yes.
Comment: Criteria applied: PP4_MOD,PM2_SUP,PP3